The following is an entry in ClinVar:

NM_001385012.1(NBEA):c.766G>A (p.Gly256Ser)

Gene: NBEA (neurobeachin; plus strand). Cytogenetic location: 13q13.3.
Variant type: single nucleotide variant.
Coding change: c.766G>A on transcript NM_001385012.1 (MANE Select); coding-DNA position 766, G replaced by A.
Protein change: p.Gly256Ser; replaces glycine 256 with serine.
Molecular consequence: missense variant.
Genome position (GRCh38, 1-based): chr13:35,048,605, G>A. VCF-style: chr13-35048605-G-A. GRCh37 (hg19) VCF-style: chr13-35622742-G-A.
Other names: c.766G>A, p.Gly256Ser (NM_001379245.1, NM_015678.5); short protein forms G256S.
Identifiers: ClinVar variation 5025358 (VCV005025358.1).
Genomic context (GRCh38, chr13:35,048,605, plus strand): 5'-TTTCTCATTGCCTTGTAGGCAATTGCCTTGCCTCCTATTGCAAAGTGGCCTTATCAGAAT[G>A]GCTTCACCTTAAACACTTGGTTTCGTATGGATCCATTAAATAATATTAATGTTGATAAGG-3'
Protein context (NP_001371941.1, residues 246-266): PPIAKWPYQN[Gly256Ser]FTLNTWFRMD

ClinVar aggregate classification (germline): Uncertain significance (1 of 4 stars; one submission).

Conditions:
Inborn genetic diseases. Identifiers: MedGen C0950123, MeSH D030342.

gnomAD v4.1: 5 of 1,590,758 alleles (0.00031%); highest among the groups gnomAD compares: African/African-American, 0.0067%; no homozygotes.

Submission:

Ambry Genetics
Classification: Uncertain significance for Inborn genetic diseases. Last evaluated: 2026-07-19. Review status: criteria provided, single submitter. Criteria: Ambry Variant Classification Scheme 2023. Collection method: clinical testing. Allele origin: germline.
Comment: The c.766G>A (p.G256S) alteration is located in exon 5 (coding exon 5) of the NBEA gene. This alteration results from a G to A substitution at nucleotide position 766, causing the glycine (G) at amino acid position 256 to be replaced by a serine (S). Based on data from gnomAD, the A allele has an overall frequency of 0.003% (1/31310) total alleles studied. The highest observed frequency was 0.012% (1/8710) of African alleles. Based on insufficient or conflicting evidence, the clinical significance of this alteration remains unclear.